The following is an entry in ClinVar:

NM_003105.6(SORL1):c.1853C>A (p.Thr618Lys)

Gene: SORL1 (sortilin related receptor 1; plus strand). Cytogenetic location: 11q24.1.
Variant type: single nucleotide variant.
Coding change: c.1853C>A on transcript NM_003105.6 (MANE Select); coding-DNA position 1853, C replaced by A.
Protein change: p.Thr618Lys; replaces threonine 618 with lysine.
Molecular consequence: missense variant.
Genome position (GRCh38, 1-based): chr11:121,543,715, C>A. VCF-style: chr11-121543715-C-A. GRCh37 (hg19) VCF-style: chr11-121414424-C-A.
Other names: short protein forms T618K.
Identifiers: ClinVar variation 3717547 (VCV003717547.2).

ClinVar aggregate classification (germline): Uncertain significance (1 of 4 stars; one submission).

Submission:

Labcorp Genetics (formerly Invitae), Labcorp
Classification: Uncertain significance. Last evaluated: 2024-09-30. Review status: criteria provided, single submitter. Criteria: Invitae Variant Classification Sherloc (09022015). Collection method: clinical testing. Allele origin: germline.
Comment: This sequence change replaces threonine, which is neutral and polar, with lysine, which is basic and polar, at codon 618 of the SORL1 protein (p.Thr618Lys). This variant is not present in population databases (gnomAD no frequency). This variant has not been reported in the literature in individuals affected with SORL1-related conditions. An algorithm developed to predict the effect of missense changes on protein structure and function (PolyPhen-2) suggests that this variant is likely to be disruptive. In summary, the available evidence is currently insufficient to determine the role of this variant in disease. Therefore, it has been classified as a Variant of Uncertain Significance.